The following is an entry in ClinVar:

NM_001365480.1(CCDC88A):c.2830C>G (p.His944Asp)

Gene: CCDC88A (coiled-coil domain containing 88A; minus strand). Cytogenetic location: 2p16.1.
Variant type: single nucleotide variant.
Coding change: c.2830C>G on transcript NM_001365480.1 (MANE Select); coding-DNA position 2830, C replaced by G.
Protein change: p.His944Asp; replaces histidine 944 with aspartic acid.
Molecular consequence: missense variant.
Genome position (GRCh38, 1-based): chr2:55,332,591, G>C on the plus strand (C>G on the coding strand, the complement: CCDC88A is on the minus strand). VCF-style: chr2-55332591-G-C. GRCh37 (hg19) VCF-style: chr2-55559727-G-C.
Other names: c.2830C>G, p.His944Asp (NM_001135597.2, NM_001254943.2, NM_018084.5); short protein forms H944D.
Identifiers: ClinVar variation 2419324 (VCV002419324.4), dbSNP rs2544830319, ClinGen allele CA346896744.

ClinVar aggregate classification (germline): Uncertain significance (1 of 4 stars; one submission).

gnomAD v4.1: 1 of 1,612,898 alleles (0.000062%); highest among the groups gnomAD compares: Admixed American, 0.0017%; no homozygotes.

Submission:

Labcorp Genetics (formerly Invitae), Labcorp
Classification: Uncertain significance. Last evaluated: 2022-06-27. Review status: criteria provided, single submitter. Criteria: Invitae Variant Classification Sherloc (09022015). Collection method: clinical testing. Allele origin: germline.
Comment: In summary, the available evidence is currently insufficient to determine the role of this variant in disease. Therefore, it has been classified as a Variant of Uncertain Significance. Algorithms developed to predict the effect of missense changes on protein structure and function (SIFT, PolyPhen-2, Align-GVGD) all suggest that this variant is likely to be tolerated. This variant has not been reported in the literature in individuals affected with CCDC88A-related conditions. This variant is not present in population databases (gnomAD no frequency). This sequence change replaces histidine, which is basic and polar, with aspartic acid, which is acidic and polar, at codon 944 of the CCDC88A protein (p.His944Asp).